The following is an entry in ClinVar:

ClinVar aggregate classification (germline): Uncertain significance (1 of 4 stars; one submission).

Allele frequency attached by ClinVar (database versions not stated): gnomAD exomes below 0.00001.

Submission:

Labcorp Genetics (formerly Invitae), Labcorp
Classification: Uncertain significance. Last evaluated: 2022-10-13. Review status: criteria provided, single submitter. Criteria: Invitae Variant Classification Sherloc (09022015). Collection method: clinical testing. Allele origin: germline.
Comment: This sequence change falls in intron 14 of the PRPF3 gene. It does not directly change the encoded amino acid sequence of the PRPF3 protein. It affects a nucleotide within the consensus splice site. This variant is not present in population databases (gnomAD no frequency). This variant has not been reported in the literature in individuals affected with PRPF3-related conditions. Variants that disrupt the consensus splice site are a relatively common cause of aberrant splicing (PMID: 17576681, 9536098). Algorithms developed to predict the effect of sequence changes on RNA splicing suggest that this variant is not likely to affect RNA splicing. In summary, the available evidence is currently insufficient to determine the role of this variant in disease. Therefore, it has been classified as a Variant of Uncertain Significance.

Literature cited by the submitters: PubMed 17576681; PubMed 9536098.

NM_004698.4(PRPF3):c.1844-3C>T

Gene: PRPF3 (pre-mRNA processing factor 3; plus strand). Cytogenetic location: 1q21.2.
Variant type: single nucleotide variant.
Coding change: c.1844-3C>T on transcript NM_004698.4 (MANE Select); 3 bases into the intron before coding-DNA position 1844, C replaced by T.
Molecular consequence: intron variant.
Genome position (GRCh38, 1-based): chr1:150,349,154, C>T. VCF-style: chr1-150349154-C-T. GRCh37 (hg19) VCF-style: chr1-150321630-C-T.
Other names: c.1439-3C>T (NM_001350529.1).
Identifiers: ClinVar variation 2012252 (VCV002012252.4), dbSNP rs2525255589, ClinGen allele CA420683117.
Genomic context (GRCh38, chr1:150,349,154, plus strand): 5'-TGAATATTATTTGTTTAGAACCTGAATCTCAAGTCTAAGTCTGTAACAAGATTTCTCTTC[C>T]AGATGATGAGGAGTCTGATGAGGAAGCTGTGAAGAAAACCAACAAATGTGTACTAGTCTG-3'